The following is an entry in ClinVar:

ClinVar aggregate classification (germline): Conflicting classifications of pathogenicity. Review status: criteria provided, conflicting classifications (1 of 4 stars). 3 submissions from 3 submitters: Uncertain significance (2); Likely benign (1). Last evaluated 2025-10-11.

Conditions:
Hereditary cancer-predisposing syndrome. Also called: Neoplastic Syndromes, Hereditary; Hereditary neoplastic syndrome; Tumor predisposition; Hereditary Cancer Syndrome. Identifiers: Orphanet 140162, MedGen C0027672, MeSH D009386, MONDO:0015356.
Renal cell carcinoma. Identifiers: Orphanet 217071, MedGen C0007134, MeSH D002292, MONDO:0005086, HP:0005584.

Allele frequency attached by ClinVar (database versions not stated): gnomAD below 0.00001 and 0.00001; gnomAD exomes 0.00001 and 0.00003; ExAC 0.00003.
gnomAD v4.1: 14 of 1,613,452 alleles (0.00087%); highest among the groups gnomAD compares: South Asian, 0.011%; no homozygotes.

Submissions (3):

Labcorp Genetics (formerly Invitae), Labcorp
Classification: Uncertain significance for Renal cell carcinoma. Last evaluated: 2025-10-11. Review status: criteria provided, single submitter. Criteria: Invitae Variant Classification Sherloc (09022015). Collection method: clinical testing. Allele origin: germline.
Comment: This sequence change replaces valine, which is neutral and non-polar, with isoleucine, which is neutral and non-polar, at codon 1219 of the MET protein (p.Val1219Ile). This variant is present in population databases (rs778646229, gnomAD 0.02%). This variant has not been reported in the literature in individuals affected with MET-related conditions. ClinVar contains an entry for this variant (Variation ID: 524890). Invitae Evidence Modeling of protein sequence and biophysical properties (such as structural, functional, and spatial information, amino acid conservation, physicochemical variation, residue mobility, and thermodynamic stability) indicates that this missense variant is expected to disrupt MET protein function with a positive predictive value of 80%. In summary, the available evidence is currently insufficient to determine the role of this variant in disease. Therefore, it has been classified as a Variant of Uncertain Significance.

Ambry Genetics
Classification: Likely benign for Hereditary cancer-predisposing syndrome. Last evaluated: 2022-10-05. Review status: criteria provided, single submitter. Criteria: Ambry Variant Classification Scheme 2023. Collection method: clinical testing. Allele origin: germline.

Institute for Clinical Genetics, University Hospital TU Dresden, University Hospital TU Dresden
Classification: Uncertain significance. Last evaluated: 2021-11-03. Review status: criteria provided, single submitter. Criteria: ACMG Guidelines, 2015. Collection method: clinical testing. Allele origin: germline.

NM_000245.4(MET):c.3601G>A (p.Val1201Ile)

Gene: MET (MET proto-oncogene, receptor tyrosine kinase; plus strand). Cytogenetic location: 7q31.2.
Variant type: single nucleotide variant.
Coding change: c.3601G>A on transcript NM_000245.4 (MANE Select); coding-DNA position 3601, G replaced by A.
Protein change: p.Val1201Ile; replaces valine 1201 with isoleucine.
Molecular consequence: missense variant.
Genome position (GRCh38, 1-based): chr7:116,782,066, G>A. VCF-style: chr7-116782066-G-A. GRCh37 (hg19) VCF-style: chr7-116422120-G-A.
Other names: c.3655G>A (LRG_662t1); c.3655G>A, p.Val1219Ile (NM_001127500.3); c.2311G>A, p.Val771Ile (NM_001324402.2); short protein forms V1219I, V771I, V1201I.
Identifiers: ClinVar variation 524890 (VCV000524890.14), dbSNP rs778646229, ClinGen allele CA4448750.
Genomic context (GRCh38, chr7:116,782,066, plus strand): 5'-CTTATTGGCTTTGGTCTTCAAGTAGCCAAAGGCATGAAATATCTTGCAAGCAAAAAGTTT[G>A]TCCACAGAGACTTGGCTGCAAGAAACTGTATGTAAGTATCAGAATCTCTGTGCCACAATC-3'
Protein context (NP_000236.2, residues 1191-1211): GMKYLASKKF[Val1201Ile]HRDLAARNCM